The following is an entry in ClinVar:

NM_016302.4(CRBN):c.901A>G (p.Ile301Val)

Gene: CRBN (cereblon; minus strand). Cytogenetic location: 3p26.2.
Variant type: single nucleotide variant.
Coding change: c.901A>G on transcript NM_016302.4 (MANE Select); coding-DNA position 901, A replaced by G.
Protein change: p.Ile301Val; replaces isoleucine 301 with valine.
Molecular consequence: missense variant.
Genome position (GRCh38, 1-based): chr3:3,154,010, T>C on the plus strand (A>G on the coding strand, the complement: CRBN is on the minus strand). VCF-style: chr3-3154010-T-C. GRCh37 (hg19) VCF-style: chr3-3195694-T-C.
Other names: c.898A>G, p.Ile300Val (NM_001173482.1); short protein forms I300V, I301V.
Identifiers: ClinVar variation 3371498 (VCV003371498.1).
Genomic context (GRCh38, chr3:3,154,010, plus strand): 5'-CTTTACTCACTTTATTCATAATGTCTAATTCACAGCGAAGTCGCTGGATAGCACTGCCAA[T>C]TTTAAGGAGCTGAATTCTCAATACATCATCAATAGGAAGACAAGCAGCTACTCTGTAAGA-3'
Protein context (NP_057386.2, residues 291-311): DDVLRIQLLK[Ile301Val]GSAIQRLRCE

ClinVar aggregate classification (germline): Uncertain significance (1 of 4 stars; one submission).

gnomAD v4.1: 1 of 1,613,830 alleles (0.000062%); highest among the groups gnomAD compares: Admixed American, 0.0017%; no homozygotes.

Submission:

GeneDx
Classification: Uncertain significance. Last evaluated: 2024-04-01. Review status: criteria provided, single submitter. Criteria: GeneDx Variant Classification Process June 2021. Collection method: clinical testing. Allele origin: germline. Affected: yes.
Comment: Not observed at significant frequency in large population cohorts (gnomAD); In silico analysis supports that this missense variant does not alter protein structure/function; Has not been previously published as pathogenic or benign to our knowledge